The following is an entry in ClinVar:

ClinVar aggregate classification (germline): Uncertain significance (1 of 4 stars; one submission).

Submission:

Labcorp Genetics (formerly Invitae), Labcorp
Classification: Uncertain significance. Last evaluated: 2022-05-30. Review status: criteria provided, single submitter. Criteria: Invitae Variant Classification Sherloc (09022015). Collection method: clinical testing. Allele origin: germline.
Comment: This sequence change replaces proline, which is neutral and non-polar, with threonine, which is neutral and polar, at codon 967 of the SZT2 protein (p.Pro967Thr). This variant is not present in population databases (gnomAD no frequency). This variant has not been reported in the literature in individuals affected with SZT2-related conditions. Algorithms developed to predict the effect of missense changes on protein structure and function are either unavailable or do not agree on the potential impact of this missense change (SIFT: "Tolerated"; PolyPhen-2: "Probably Damaging"; Align-GVGD: "Class C0"). In summary, the available evidence is currently insufficient to determine the role of this variant in disease. Therefore, it has been classified as a Variant of Uncertain Significance.

NM_001365999.1(SZT2):c.2899C>A (p.Pro967Thr)

Gene: SZT2 (SZT2 subunit of KICSTOR complex; plus strand). Cytogenetic location: 1p34.2.
Variant type: single nucleotide variant.
Coding change: c.2899C>A on transcript NM_001365999.1 (MANE Select); coding-DNA position 2899, C replaced by A.
Protein change: p.Pro967Thr; replaces proline 967 with threonine.
Molecular consequence: missense variant.
Genome position (GRCh38, 1-based): chr1:43,425,919, C>A. VCF-style: chr1-43425919-C-A. GRCh37 (hg19) VCF-style: chr1-43891590-C-A.
Other names: c.2899C>A, p.Pro967Thr (NM_015284.4); short protein forms P967T.
Identifiers: ClinVar variation 2001100 (VCV002001100.4), dbSNP rs2545816574, ClinGen allele CA340015816.
Genomic context (GRCh38, chr1:43,425,919, plus strand): 5'-ATAGGCTCCATGCTGAGCTTTGAATACCTGATACAGCTGTGTCAGAGCAAGGAATGGGGT[C>A]CTCTGCCCCCAGAGCCGAGGGTCTCTGATGGTGAGTGGGGCAGGCGGCCCACTGGTGGAG-3'
Protein context (NP_001352928.1, residues 957-977): IQLCQSKEWG[Pro967Thr]LPPEPRVSDG